The following is an entry in ClinVar:

ClinVar aggregate classification (germline): Conflicting classifications of pathogenicity. Review status: criteria provided, conflicting classifications (1 of 4 stars). 2 submissions from 2 submitters: Uncertain significance (1); Benign (1). Last evaluated 2025-08-03.

Conditions:
Inborn genetic diseases. Identifiers: MedGen C0950123, MeSH D030342.
White sponge nevus 1. Also called: LEUKOKERATOSIS, HEREDITARY MUCOSAL. Identifiers: MedGen C4011926, MONDO:0008676, OMIM 193900.

Allele frequency attached by ClinVar (database versions not stated): ExAC 0.00025; 1000 Genomes Project 30x 0.00031; ESP Exome Variant Server 0.00039; 1000 Genomes Project 0.00040; gnomAD 0.00054 and 0.00056; TOPMed 0.00078.
gnomAD v4.1: 400 of 1,614,132 alleles (0.025%); highest among the groups gnomAD compares: Admixed American, 0.12%; 1 homozygote.

Submissions (2):

Ambry Genetics
Classification: Uncertain significance for Inborn genetic diseases. Last evaluated: 2025-08-03. Review status: criteria provided, single submitter. Criteria: Ambry Variant Classification Scheme 2023. Collection method: clinical testing. Allele origin: germline.

Illumina Laboratory Services, Illumina
Classification: Benign for White sponge nevus 1. Last evaluated: 2018-01-13. Review status: criteria provided, single submitter. Criteria: ICSL Variant Classification Criteria 13 December 2019. Collection method: clinical testing. Allele origin: germline.
Comment: This variant was observed in the ICSL laboratory as part of a predisposition screen in an ostensibly healthy population. It had not been previously curated by ICSL or reported in the Human Gene Mutation Database (HGMD: prior to June 1st, 2018), and was therefore a candidate for classification through an automated scoring system. Utilizing variant allele frequency, disease prevalence and penetrance estimates, and inheritance mode, an automated score was calculated to assess if this variant is too frequent to cause the disease. Based on the score and internal cut-off values, a variant classified as benign is not then subjected to further curation. The score for this variant resulted in a classification of benign for this disease.

NM_002272.4(KRT4):c.1495G>C (p.Gly499Arg)

Gene: KRT4 (keratin 4; minus strand). Cytogenetic location: 12q13.13.
Variant type: single nucleotide variant.
Coding change: c.1495G>C on transcript NM_002272.4 (MANE Select); coding-DNA position 1495, G replaced by C.
Protein change: p.Gly499Arg; replaces glycine 499 with arginine.
Molecular consequence: missense variant.
Genome position (GRCh38, 1-based): chr12:52,807,137, C>G on the plus strand (G>C on the coding strand, the complement: KRT4 is on the minus strand). VCF-style: chr12-52807137-C-G. GRCh37 (hg19) VCF-style: chr12-53200921-C-G.
Other names: short protein forms G499R.
Identifiers: ClinVar variation 309667 (VCV000309667.8), dbSNP rs190897990, ClinGen allele CA6588364.